The following is an entry in ClinVar:

ClinVar aggregate classification (germline): Uncertain significance. Review status: criteria provided, multiple submitters, no conflicts (2 of 4 stars). 2 submissions from 2 submitters: Uncertain significance (2). Last evaluated 2025-06-22.

Conditions:
Inborn genetic diseases. Identifiers: MedGen C0950123, MeSH D030342.

Allele frequency attached by ClinVar (database versions not stated): TOPMed below 0.00001.
gnomAD v4.1: 2 of 1,614,126 alleles (0.00012%); highest among the groups gnomAD compares: Non-Finnish European, 0.00017%; no homozygotes.

Submissions (2):

Ambry Genetics
Classification: Uncertain significance for Inborn genetic diseases. Last evaluated: 2025-06-22. Review status: criteria provided, single submitter. Criteria: Ambry Variant Classification Scheme 2023. Collection method: clinical testing. Allele origin: germline.

Labcorp Genetics (formerly Invitae), Labcorp
Classification: Uncertain significance. Last evaluated: 2025-04-23. Review status: criteria provided, single submitter. Criteria: Invitae Variant Classification Sherloc (09022015). Collection method: clinical testing. Allele origin: germline.
Comment: This sequence change replaces lysine, which is basic and polar, with asparagine, which is neutral and polar, at codon 446 of the ACVR1 protein (p.Lys446Asn). This variant is not present in population databases (gnomAD no frequency). This variant has not been reported in the literature in individuals affected with ACVR1-related conditions. ClinVar contains an entry for this variant (Variation ID: 1934872). An algorithm developed to predict the effect of missense changes on protein structure and function (PolyPhen-2) suggests that this variant is likely to be disruptive. In summary, the available evidence is currently insufficient to determine the role of this variant in disease. Therefore, it has been classified as a Variant of Uncertain Significance.

NM_001111067.4(ACVR1):c.1338G>C (p.Lys446Asn)

Gene: ACVR1 (activin A receptor type 1; minus strand). Cytogenetic location: 2q24.1.
Variant type: single nucleotide variant.
Coding change: c.1338G>C on transcript NM_001111067.4 (MANE Select); coding-DNA position 1338, G replaced by C.
Protein change: p.Lys446Asn; replaces lysine 446 with asparagine.
Molecular consequence: missense variant.
Genome position (GRCh38, 1-based): chr2:157,738,497, C>G on the plus strand (G>C on the coding strand, the complement: ACVR1 is on the minus strand). VCF-style: chr2-157738497-C-G. GRCh37 (hg19) VCF-style: chr2-158595009-C-G.
Other names: c.1338G>C (NM_001105.4); c.1338G>C, p.Lys446Asn (NM_001105.5, NM_001347663.1, NM_001347664.1 and 3 more transcripts); short protein forms K446N.
Identifiers: ClinVar variation 1934872 (VCV001934872.6), dbSNP rs1684626999, ClinGen allele CA349188034.